The following is an entry in ClinVar:

NM_001166108.2(PALLD):c.2815G>C (p.Val939Leu)

Genes: CBR4 (carbonyl reductase 4; minus strand), PALLD (palladin, cytoskeletal associated protein; plus strand). Cytogenetic location: 4q32.3.
Variant type: single nucleotide variant.
Coding change: c.2815G>C on transcript NM_001166108.2 (MANE Select); coding-DNA position 2815, G replaced by C.
Protein change: p.Val939Leu; replaces valine 939 with leucine.
Molecular consequence: missense variant.
Genome position (GRCh38, 1-based): chr4:168,915,992, G>C. VCF-style: chr4-168915992-G-C. GRCh37 (hg19) VCF-style: chr4-169837143-G-C.
Other names: c.1618G>C, p.Val540Leu (NM_001166109.2); c.1303G>C, p.Val435Leu (NM_001166110.2); c.643G>C, p.Val215Leu (NM_001367567.1, NM_001367569.1); c.694G>C, p.Val232Leu (NM_001367568.1, NM_001367570.1); c.2764G>C, p.Val922Leu (NM_016081.4); c.2764G>C (NM_016081.3); short protein forms V922L, V435L, V540L, V939L, V215L, V232L.
Identifiers: ClinVar variation 410615 (VCV000410615.10), dbSNP rs778471055, ClinGen allele CA3135963.

ClinVar aggregate classification (germline): Uncertain significance. Review status: criteria provided, multiple submitters, no conflicts (2 of 4 stars). 2 submissions from 2 submitters: Uncertain significance (2). Last evaluated 2025-10-25.

Conditions:
Pancreatic adenocarcinoma. Identifiers: MedGen C0281361, MONDO:0006047, HP:0006725.

Allele frequency attached by ClinVar (database versions not stated): gnomAD exomes 0.00001 and 0.00003; ExAC 0.00002; gnomAD 0.00002 and 0.00003; TOPMed 0.00003.
gnomAD v4.1: 18 of 1,613,832 alleles (0.0011%); highest among the groups gnomAD compares: East Asian, 0.038%; no homozygotes.

Submissions (2):

Labcorp Genetics (formerly Invitae), Labcorp
Classification: Uncertain significance for Pancreatic adenocarcinoma. Last evaluated: 2025-10-25. Review status: criteria provided, single submitter. Criteria: Invitae Variant Classification Sherloc (09022015). Collection method: clinical testing. Allele origin: germline.
Comment: This sequence change replaces valine, which is neutral and non-polar, with leucine, which is neutral and non-polar, at codon 435 of the PALLD protein (p.Val435Leu). This variant is present in population databases (rs778471055, gnomAD 0.04%), and has an allele count higher than expected for a pathogenic variant. This variant has not been reported in the literature in individuals affected with PALLD-related conditions. ClinVar contains an entry for this variant (Variation ID: 410615). An algorithm developed to predict the effect of missense changes on protein structure and function (PolyPhen-2) suggests that this variant is likely to be tolerated. In summary, the available evidence is currently insufficient to determine the role of this variant in disease. Therefore, it has been classified as a Variant of Uncertain Significance.

Ambry Genetics
Classification: Uncertain significance. Last evaluated: 2023-02-04. Review status: criteria provided, single submitter. Criteria: Ambry Variant Classification Scheme 2023. Collection method: clinical testing. Allele origin: germline.
Comment: The p.V922L variant (also known as c.2764G>C), located in coding exon 15 of the PALLD gene, results from a G to C substitution at nucleotide position 2764. The valine at codon 922 is replaced by leucine, an amino acid with highly similar properties. This amino acid position is conserved. In addition, the in silico prediction for this alteration is inconclusive. Since supporting evidence is limited at this time, the clinical significance of this alteration remains unclear.